The following is an entry in ClinVar:

ClinVar aggregate classification (germline): Uncertain significance (3 of 4 stars; one submission).

Conditions:
Monogenic diabetes. Identifiers: Orphanet 183625, MedGen C3888631, MONDO:0015967.

Submission:

ClinGen Monogenic Diabetes Variant Curation Expert Panel
Classification: Uncertain significance for Monogenic diabetes. Last evaluated: 2024-05-09. Review status: reviewed by expert panel. Criteria: ClinGen Diabetes ACMG Specifications HNF4A V2.0.0. Collection method: curation. Allele origin: germline. Inheritance: Autosomal dominant inheritance.
Comment: The c.601C>T variant in the hepatocyte nuclear factor 4-alpha gene, HNF4A, causes an amino acid change of histidine to tyrosine at codon 201 (p.(His201Tyr)) of NM_175914.5. This variant is located within the ligand binding domain (codons 180-220) of HNF4A, which is defined as critical for the protein's function by the ClinGen MDEP (PM1_Supporting). It is also predicted to be deleterious by computational evidence, with a REVEL score of 0.899, which is greater than the MDEP VCEP threshold of 0.70 (PP3). This variant is absent in gnomAD v2.1.1 (PM2_Supporting). It was identified in an individual with diabetes; however, the calculated MODY probability is <50% (PMID: 19929997). The variant segregated with diabetes, with one informative meiosis in this individual's family; however, this does not meet the thresholds for PP1 set by the ClinGen MDEP (PMID: 27236918, 19929997). In summary, c.601C>T meets the criteria to be classified as a variant of uncertain significance for monogenic diabetes. ACMG/AMP criteria applied, as specified by the ClinGen MDEP (specification version 2.0.0, approved 10/11/2023): PP3, PM1_Supporting, PM2_Supporting.

NM_175914.5(HNF4A):c.601C>T (p.His201Tyr)

Gene: HNF4A (hepatocyte nuclear factor 4 alpha; plus strand). Cytogenetic location: 20q13.12.
Variant type: single nucleotide variant.
Coding change: c.601C>T on transcript NM_175914.5 (MANE Select); coding-DNA position 601, C replaced by T.
Protein change: p.His201Tyr; replaces histidine 201 with tyrosine.
Molecular consequence: missense variant.
Genome position (GRCh38, 1-based): chr20:44,418,443, C>T. VCF-style: chr20-44418443-C-T. GRCh37 (hg19) VCF-style: chr20-43047083-C-T.
Other names: NM_175914.5:c.601C>T; c.667C>T, p.His223Tyr (NM_000457.6, NM_178849.3, NM_178850.3); c.601C>T, p.His201Tyr (NM_001030003.3, NM_001030004.3); c.646C>T, p.His216Tyr (NM_001258355.2); c.592C>T, p.His198Tyr (NM_001287182.2, NM_001287183.2, NM_001287184.2); short protein forms H198Y, H201Y, H216Y, H223Y.
Identifiers: ClinVar variation 3238970 (VCV003238970.1), dbSNP rs2515692953.
Genomic context (GRCh38, chr20:44,418,443, plus strand): 5'-CCAAGGGTACAGATGGCAAACACTGTTCCTTCTCTCTTTCAGGTGGCCCTGCTCAGAGCC[C>T]ATGCTGGCGAGCACCTGCTGCTCGGAGCCACCAAGAGATCCATGGTGTTCAAGGACGTGC-3'
Protein context (NP_787110.2, residues 191-211): LDDQVALLRA[His201Tyr]AGEHLLLGAT